The following is an entry in ClinVar:

ClinVar aggregate classification (germline): Uncertain significance (1 of 4 stars; one submission).

Submission:

Labcorp Genetics (formerly Invitae), Labcorp
Classification: Uncertain significance. Last evaluated: 2023-07-28. Review status: criteria provided, single submitter. Criteria: Invitae Variant Classification Sherloc (09022015). Collection method: clinical testing. Allele origin: germline.
Comment: In summary, the available evidence is currently insufficient to determine the role of this variant in disease. Therefore, it has been classified as a Variant of Uncertain Significance. An algorithm developed to predict the effect of missense changes on protein structure and function (PolyPhen-2) suggests that this variant is likely to be disruptive. This variant has not been reported in the literature in individuals affected with TNNI3K-related conditions. This variant is not present in population databases (gnomAD no frequency). This sequence change replaces glutamic acid, which is acidic and polar, with lysine, which is basic and polar, at codon 15 of the TNNI3K protein (p.Glu15Lys).

NM_015978.3(TNNI3K):c.43G>A (p.Glu15Lys)

Genes: FPGT-TNNI3K (FPGT-TNNI3K readthrough; plus strand), TNNI3K (TNNI3 interacting kinase; plus strand). Cytogenetic location: 1p31.1.
Variant type: single nucleotide variant.
Coding change: c.43G>A on transcript NM_015978.3 (MANE Select); coding-DNA position 43, G replaced by A.
Protein change: p.Glu15Lys; replaces glutamic acid 15 with lysine.
Molecular consequence: missense variant.
Genome position (GRCh38, 1-based): chr1:74,236,104, G>A. VCF-style: chr1-74236104-G-A. GRCh37 (hg19) VCF-style: chr1-74701788-G-A.
Other names: c.346G>A, p.Glu116Lys (NM_001112808.3, NM_001199327.2); short protein forms E15K, E116K.
Identifiers: ClinVar variation 2855796 (VCV002855796.3), dbSNP rs2524307176, ClinGen allele CA340786877.